The following is an entry in ClinVar:

ClinVar aggregate classification (germline): Pathogenic/Likely pathogenic. Review status: criteria provided, multiple submitters, no conflicts (2 of 4 stars). 6 submissions from 5 submitters: Pathogenic (1); Likely pathogenic (2). 3 of the submissions do not count toward it. Last evaluated 2025-04-08.

Conditions:
Autosomal semidominant ABCC8-related disorders.
Maturity-onset diabetes of the young (MODY). Also called: Maturity onset diabetes mellitus in young. Identifiers: Orphanet 552, MedGen C0342276, MONDO:0018911, HP:0004904.
Neonatal diabetes mellitus (NDM). Identifiers: Orphanet 224, MedGen C0158981, MONDO:0016391.
Hyperinsulinemic hypoglycemia, familial, 1 (HHF1). Also called: HYPERINSULINISM, FAMILIAL, WITH PANCREATIC NESIDIOBLASTOSIS; HYPOGLYCEMIA, HYPERINSULINEMIC, OF INFANCY; NESIDIOBLASTOSIS OF PANCREAS; Persistent hyperinsulinemic hypoglycemia of infancy; Persistent Hyperinsulinemia Hypoglycemia of Infancy. Identifiers: Orphanet 276575, Orphanet 276598, MedGen C2931832, MONDO:0009734, OMIM 256450.

Allele frequency attached by ClinVar (database versions not stated): gnomAD exomes 0.00001.
gnomAD v4.1: 10 of 1,613,796 alleles (0.00062%); highest among the groups gnomAD compares: Non-Finnish European, 0.00085%; no homozygotes.

Submissions (6):

Variantyx, Inc.
Classification: Pathogenic for Autosomal semidominant ABCC8-related disorders. Last evaluated: 2025-04-08. Review status: criteria provided, single submitter. Criteria: Variantyx Assertion Criteria 2022. Collection method: clinical testing. Allele origin: germline. Inheritance: Semidominant inheritance. Affected: no.
Comment: This is a canonical splicing variant in the ABCC8 gene (OMIM: 600509). Pathogenic variants in this gene have been associated with autosomal semidominant ABCC8-related disorders. This splicing variant is expected to result in loss of function, which is a known disease mechanism for ABCC8 in these disorder s(PMID: 20685672, 23345197) (PVS1). It has been reported in at least 2 affected individuals (PMID: 20685672,14692646). The clinical symptoms reported for the proband are highly specific for ABCC8-related disorders, which has a limited genetic etiology (PP4). The alteration has a 0.0009% maximum allele frequency in non-founder control populations (PM2). Based on the current evidence, this variant is classified as pathogenic for autosomal semidominant ABCC8-related disorders. Of note, congenital hyperinsulinism may also be caused by a paternally-inherited loss of function variant in combination with a second somatic variant, following Knudson's two-hit model (PMID: 16882742, 34336745).

Broad Center for Mendelian Genomics, Broad Institute of MIT and Harvard
Classification: Likely pathogenic for Hyperinsulinemic hypoglycemia, familial, 1. Last evaluated: 2023-08-16. Review status: criteria provided, single submitter. Criteria: ACMG Guidelines, 2015. Collection method: curation. Allele origin: germline. Inheritance: Autosomal recessive inheritance.
Comment: The c.2116+2T>C variant in ABCC8 has been reported in at least 1 individual with hyperinsulinemic hypoglycemia (PMID: 20685672, 22048969), and has been identified in 0.002% (2/113270) of European (non-Finnish) chromosomes by the Genome Aggregation Database (gnomAD; dbSNP ID: rs786204676). Although this variant has been seen in the general population in a heterozygous state, its frequency is low enough to be consistent with a recessive carrier frequency. This variant has also been reported in ClinVar (Variation ID: 189078) and has been interpreted as likely pathogenic by Counsyl and Invitae, and as a variant of uncertain significance by Clinical Genomics (Uppaluri K&H Personalized Medicine Clinic). This variant is located in the 5' splice region. Computational tools predict a splicing impact, though this information is not predictive enough to determine pathogenicity. Loss of function of the ABCC8 gene is an established disease mechanism in autosomal recessive hyperinsulinemic hypoglycemia. In summary, although additional studies are required to fully establish its clinical significance, this variant is likely pathogenic for autosomal recessive hyperinsulinemic hypoglycemia. ACMG/AMP Criteria applied: PVS1, PM2 (Richards 2015).

Labcorp Genetics (formerly Invitae), Labcorp
Classification: Likely pathogenic. Last evaluated: 2023-06-04. Review status: criteria provided, single submitter. Criteria: Invitae Variant Classification Sherloc (09022015). Collection method: clinical testing. Allele origin: germline.
Comment: This sequence change affects a donor splice site in intron 15 of the ABCC8 gene. It is expected to disrupt RNA splicing. Variants that disrupt the donor or acceptor splice site typically lead to a loss of protein function (PMID: 16199547), and loss-of-function variants in ABCC8 are known to be pathogenic (PMID: 20685672, 23345197). This variant is present in population databases (rs786204676, gnomAD 0.002%). Disruption of this splice site has been observed in individual(s) with congenital hyperinsulinism (PMID: 20685672). ClinVar contains an entry for this variant (Variation ID: 189078). Algorithms developed to predict the effect of sequence changes on RNA splicing suggest that this variant may disrupt the consensus splice site. In summary, the currently available evidence indicates that the variant is pathogenic, but additional data are needed to prove that conclusively. Therefore, this variant has been classified as Likely Pathogenic.

Counsyl
Classification: Likely pathogenic for Persistent hyperinsulinemic hypoglycemia of infancy. Last evaluated: 2014-12-04. Review status: no assertion criteria provided. Collection method: literature only. Allele origin: unknown. Inheritance: Autosomal recessive inheritance. Not counted in ClinVar's aggregate classification.

Clinical Genomics, Uppaluri K&H Personalized Medicine Clinic
Classification: Uncertain risk allele for Maturity-onset diabetes of the young. Last evaluated: 2024-05-27. Review status: flagged submission. Criteria: K And H Uppaluri Personalized Medicine Clinic Variant Classification And Assertion Criteria Updated V 2. Collection method: research. Allele origin: unknown. Not counted in ClinVar's aggregate classification.
Comment: This variant is found to be a potent moderate impact, deleterious variant with a CADD score of 29.3 and sufficient scientific evidence of gene-disease correlation. However, since this is not a high impact variant and no variant evidence, this variant is reclassified as Uncertain risk allele.
ClinVar note: Reason: Outlier claim with insufficient supporting evidence

Clinical Genomics, Uppaluri K&H Personalized Medicine Clinic
Classification: Uncertain risk allele for Neonatal diabetes mellitus. Last evaluated: 2024-05-27. Review status: flagged submission. Criteria: K And H Uppaluri Personalized Medicine Clinic Variant Classification And Assertion Criteria Updated V 2. Collection method: research. Allele origin: unknown. Not counted in ClinVar's aggregate classification.
Comment: the same text as in the submission from Clinical Genomics, Uppaluri K&H Personalized Medicine Clinic above.
ClinVar note: Reason: Outlier claim with insufficient supporting evidence

Literature cited by the submitters: PubMed 20685672 (cited by 3 submitters); PubMed 23345197 (cited by Variantyx, Inc. and Labcorp Genetics (formerly Invitae), Labcorp); PubMed 16199547 (cited by Labcorp Genetics (formerly Invitae), Labcorp); PubMed 31216263 (cited by Clinical Genomics, Uppaluri K&H Personalized Medicine Clinic); PubMed 38095268 (cited by Clinical Genomics, Uppaluri K&H Personalized Medicine Clinic); PubMed 38513803 (cited by Clinical Genomics, Uppaluri K&H Personalized Medicine Clinic); PubMed 32376986 (cited by Clinical Genomics, Uppaluri K&H Personalized Medicine Clinic); PubMed 20922570 (cited by Clinical Genomics, Uppaluri K&H Personalized Medicine Clinic); PubMed 17389331 (cited by Clinical Genomics, Uppaluri K&H Personalized Medicine Clinic); PubMed 17919176 (cited by Clinical Genomics, Uppaluri K&H Personalized Medicine Clinic); PubMed 21738553 (cited by Clinical Genomics, Uppaluri K&H Personalized Medicine Clinic); PubMed 33013711 (cited by Clinical Genomics, Uppaluri K&H Personalized Medicine Clinic).

NM_000352.6(ABCC8):c.2116+2T>C

Gene: ABCC8 (ATP binding cassette subfamily C member 8; minus strand). Cytogenetic location: 11p15.1.
Variant type: single nucleotide variant.
Coding change: c.2116+2T>C on transcript NM_000352.6 (MANE Select); the canonical splice donor site of the intron after coding-DNA position 2116, T replaced by C.
Molecular consequence: splice donor variant.
Genome position (GRCh38, 1-based): chr11:17,427,865, A>G on the plus strand (T>C on the coding strand, the complement: ABCC8 is on the minus strand). VCF-style: chr11-17427865-A-G. GRCh37 (hg19) VCF-style: chr11-17449412-A-G.
Other names: c.2113+2T>C (NM_001351297.2, NM_001351296.2); c.2182+2T>C (NM_001351295.2); c.2116+2T>C (NM_001287174.3).
Identifiers: ClinVar variation 189078 (VCV000189078.15), dbSNP rs786204676, ClinGen allele CA274353.